The following is an entry in ClinVar:

NM_000256.3(MYBPC3):c.1791-9C>T

Gene: MYBPC3 (myosin binding protein C3; minus strand). Cytogenetic location: 11p11.2.
Variant type: single nucleotide variant.
Coding change: c.1791-9C>T on transcript NM_000256.3 (MANE Select); 9 bases into the intron before coding-DNA position 1791, C replaced by T.
Molecular consequence: intron variant.
Genome position (GRCh38, 1-based): chr11:47,341,253, G>A on the plus strand (C>T on the coding strand, the complement: MYBPC3 is on the minus strand). VCF-style: chr11-47341253-G-A. GRCh37 (hg19) VCF-style: chr11-47362804-G-A.
Identifiers: ClinVar variation 1154149 (VCV001154149.5), dbSNP rs776017963, ClinGen allele CA599374440.

ClinVar aggregate classification (germline): Likely benign. Review status: criteria provided, multiple submitters, no conflicts (2 of 4 stars). 2 submissions from 2 submitters: Likely benign (2). Last evaluated 2022-11-30.

Conditions:
Hypertrophic cardiomyopathy. Also called: HYPERTROPHIC MYOCARDIOPATHY. Identifiers: Orphanet 217569, MedGen C0007194, MeSH D002312, MONDO:0005045, HP:0001639.

gnomAD v4.1: 1 of 1,568,266 alleles (0.000064%); highest among the groups gnomAD compares: Admixed American, 0.0019%; no homozygotes.

Submissions (2):

All of Us Research Program, National Institutes of Health
Classification: Likely benign for Hypertrophic cardiomyopathy. Last evaluated: 2022-11-30. Review status: criteria provided, single submitter. Criteria: ACMG Guidelines, 2015. Collection method: clinical testing. Allele origin: germline. Inheritance: Autosomal dominant inheritance. Observed: 1 variant allele, 1 heterozygote.
Comment: This study involves interpretation of variants in research participants for the purpose of population health screening. Participant phenotype was not available at the time of variant classification. Additional details can be found in publication PMID: 35346344, PMCID: PMC8962531

Labcorp Genetics (formerly Invitae), Labcorp
Classification: Likely benign for Hypertrophic cardiomyopathy. Last evaluated: 2021-05-07. Review status: criteria provided, single submitter. Criteria: Invitae Variant Classification Sherloc (09022015). Collection method: clinical testing. Allele origin: germline.